The following is an entry in ClinVar:

ClinVar aggregate classification (germline): Likely benign (0 of 4 stars; one submission).

Conditions:
APBA2-related disorder. Also called: APBA2-related condition.

Allele frequency attached by ClinVar (database versions not stated): ExAC 0.00002; TOPMed 0.00006; gnomAD 0.00008; ESP Exome Variant Server 0.00015.
gnomAD v4.1: 110 of 1,613,908 alleles (0.0068%); highest among the groups gnomAD compares: Middle Eastern, 0.016%; no homozygotes.

Submission:

PreventionGenetics, part of Exact Sciences
Classification: Likely benign for APBA2-related condition. Last evaluated: 2019-10-29. Review status: no assertion criteria provided. Collection method: clinical testing. Allele origin: germline.
Comment: This variant is classified as likely benign based on ACMG/AMP sequence variant interpretation guidelines (Richards et al. 2015 PMID: 25741868, with internal and published modifications).

NM_001353788.2(APBA2):c.1968G>A (p.Pro656=)

Gene: APBA2 (amyloid beta precursor protein binding family A member 2; plus strand). Cytogenetic location: 15q13.1.
Variant type: single nucleotide variant.
Coding change: c.1968G>A on transcript NM_001353788.2 (MANE Select); coding-DNA position 1968, G replaced by A.
Protein change: p.Pro656=; no amino-acid change (proline 656 retained).
Molecular consequence: synonymous variant.
Genome position (GRCh38, 1-based): chr15:29,108,320, G>A. VCF-style: chr15-29108320-G-A. GRCh37 (hg19) VCF-style: chr15-29400523-G-A.
Other names: c.1932G>A, p.Pro644= (NM_001130414.1, NM_001353792.2, NM_001353793.2 and 1 more transcripts); c.1968G>A, p.Pro656= (NM_001353789.2, NM_001353790.2, NM_001353791.2 and 3 more transcripts); c.1080G>A, p.Pro360= (NM_001353796.2); c.1044G>A, p.Pro348= (NM_001353797.2).
Identifiers: ClinVar variation 3040556 (VCV003040556.2), dbSNP rs138813322, ClinGen allele CA7445623.